The following is an entry in ClinVar:

ClinVar aggregate classification (germline): Uncertain significance (1 of 4 stars; one submission).

Conditions:
Angelman syndrome (AS). Also called: HAPPY PUPPET SYNDROME. Identifiers: Orphanet 72, MedGen C0162635, MONDO:0007113, OMIM 105830. Disease mechanism: loss of function. Inheritance: AS is caused by disruption of maternally imprinted UBE3A located within the 15q11.2-q13 Angelman syndrome/Prader-Willi syndrome (AS/PWS) region., imprinting disorder.

Submission:

Labcorp Genetics (formerly Invitae), Labcorp
Classification: Uncertain significance for Angelman syndrome. Last evaluated: 2019-07-30. Review status: criteria provided, single submitter. Criteria: Invitae Variant Classification Sherloc (09022015). Collection method: clinical testing. Allele origin: germline.
Comment: In summary, the available evidence is currently insufficient to determine the role of this variant in disease. Therefore, it has been classified as a Variant of Uncertain Significance. Experimental studies and prediction algorithms are not available for this variant, and the functional significance of the disrupted amino acids is currently unknown. This variant has not been reported in the literature in individuals with UBE3A-related disease. This variant is not present in population databases (ExAC no frequency). This variant, c.1618_1639delinsT, results in the deletion of 8 amino acids of the UBE3A protein and an insertion of 1 amino acid (p.Gln540_Val547delinsPhe), but otherwise preserves the integrity of the reading frame.

NM_130839.5(UBE3A):c.1678_1699delinsT (p.Gln560_Val567delinsPhe)

Genes: SNHG14 (small nucleolar RNA host gene 14; plus strand), UBE3A (ubiquitin protein ligase E3A; minus strand). Cytogenetic location: 15q11.2.
Variant type: Indel.
Coding change: c.1678_1699delinsT on transcript NM_130839.5 (MANE Select); coding-DNA positions 1678 to 1699, CAAGGAGTTGATGAGGGAGGTG replaced by T.
Protein change: p.Gln560_Val567delinsPhe.
Molecular consequence: inframe indel. On other transcripts: non-coding transcript variant (1).
Genome position (GRCh38, 1-based): chr15:25,360,437-25,360,458, CACCTCCCTCATCAACTCCTTG replaced by A on the plus strand (CAAGGAGTTGATGAGGGAGGTG replaced by T on the coding strand, the reverse complement: UBE3A is on the minus strand). VCF-style: chr15-25360437-CACCTCCCTCATCAACTCCTTG-A. GRCh37 (hg19) VCF-style: chr15-25605584-CACCTCCCTCATCAACTCCTTG-A.
Other names: c.1687_1708delinsT, p.Gln563_Val570delinsPhe (NM_000462.5); c.1678_1699delinsT, p.Gln560_Val567delinsPhe (NM_001354505.1, NM_001354538.2, NM_001354545.2); c.1618_1639delinsT, p.Gln540_Val547delinsPhe (NM_001354506.2, NM_001354507.2, NM_001354508.2 and 17 more transcripts); c.1501_1522delinsT, p.Gln501_Val508delinsPhe (NM_001354546.2); c.427_448delinsT, p.Gln143_Val150delinsPhe (NM_001354550.2); c.367_388delinsT, p.Gln123_Val130delinsPhe (NM_001354551.2).
Identifiers: ClinVar variation 571267 (VCV000571267.6), dbSNP rs1566912450, ClinGen allele CA891843646.